The following is an entry in ClinVar:

ClinVar aggregate classification (germline): Conflicting classifications of pathogenicity. Review status: criteria provided, conflicting classifications (1 of 4 stars). 2 submissions from 2 submitters: Pathogenic (1); Uncertain significance (1). Last evaluated 2026-04-02.

Conditions:
Autosomal recessive nonsyndromic hearing loss 4 (DFNB4). Also called: NEUROSENSORY NONSYNDROMIC RECESSIVE DEAFNESS 4; FOXI1-Related Pendred Syndrome; KCNJ10-Related Pendred Syndrome; DEAFNESS, AUTOSOMAL RECESSIVE 4, WITH ENLARGED VESTIBULAR AQUEDUCT, DIGENIC; Nonsyndromic enlarged vestibular aqueduct (NSEVA); Deafness, autosomal recessive 4, with enlarged vestibular aqueduct. Identifiers: Orphanet 90636, MedGen C3538946, MONDO:0010933, OMIM 600791.

Submissions (2):

GeneDx
Classification: Uncertain significance. Last evaluated: 2026-04-02. Review status: criteria provided, single submitter. Criteria: GeneDx Variant Classification Process June 2021. Collection method: clinical testing. Allele origin: germline.
Comment: Not observed at significant frequency in large population cohorts (gnomAD); In silico analysis supports that this missense variant has a deleterious effect on protein structure/function; Has not been previously published as pathogenic or benign to our knowledge

Institute of Rare Diseases, West China Hospital, Sichuan University
Classification: Pathogenic for Autosomal recessive nonsyndromic hearing loss 4. Last evaluated: 2025-01-09. Review status: criteria provided, single submitter. Criteria: ClinGen HL ACMG Specifications v1. Collection method: research. Allele origin: germline. Affected: yes.

NM_000441.2(SLC26A4):c.2116T>C (p.Cys706Arg)

Genes: SLC26A4 (solute carrier family 26 member 4; plus strand), LOC123956210 (Sharpr-MPRA regulatory region 3291; plus strand). Cytogenetic location: 7q22.3.
Variant type: single nucleotide variant.
Coding change: c.2116T>C on transcript NM_000441.2 (MANE Select); coding-DNA position 2116, T replaced by C.
Protein change: p.Cys706Arg; replaces cysteine 706 with arginine.
Molecular consequence: missense variant.
Genome position (GRCh38, 1-based): chr7:107,710,080, T>C. VCF-style: chr7-107710080-T-C. GRCh37 (hg19) VCF-style: chr7-107350525-T-C.
Other names: c.2116T>C (NM_000441.1); short protein forms C706R.
Identifiers: ClinVar variation 3601760 (VCV003601760.2).